The following is an entry in ClinVar:

ClinVar aggregate classification (germline): Uncertain significance (1 of 4 stars; one submission).

Conditions:
Bailey-Bloch congenital myopathy (CMYO13). Also called: Native American myopathy; Congenital myopathy 13; STAC3 disorder. Identifiers: Orphanet 168572, MedGen C1850625, MONDO:0009722, OMIM 255995.

Submission:

Labcorp Genetics (formerly Invitae), Labcorp
Classification: Uncertain significance for Bailey-Bloch congenital myopathy. Last evaluated: 2022-03-09. Review status: criteria provided, single submitter. Criteria: Invitae Variant Classification Sherloc (09022015). Collection method: clinical testing. Allele origin: germline.
Comment: In summary, the available evidence is currently insufficient to determine the role of this variant in disease. Therefore, it has been classified as a Variant of Uncertain Significance. Algorithms developed to predict the effect of missense changes on protein structure and function are either unavailable or do not agree on the potential impact of this missense change (SIFT: "Deleterious"; PolyPhen-2: "Probably Damaging"; Align-GVGD: "Class C0"). ClinVar contains an entry for this variant (Variation ID: 858000). This variant has not been reported in the literature in individuals affected with STAC3-related conditions. This variant is not present in population databases (gnomAD no frequency). This sequence change replaces valine, which is neutral and non-polar, with alanine, which is neutral and non-polar, at codon 135 of the STAC3 protein (p.Val135Ala).

NM_145064.3(STAC3):c.404T>C (p.Val135Ala)

Gene: STAC3 (SH3 and cysteine rich domain 3; minus strand). Cytogenetic location: 12q13.3.
Variant type: single nucleotide variant.
Coding change: c.404T>C on transcript NM_145064.3 (MANE Select); coding-DNA position 404, T replaced by C.
Protein change: p.Val135Ala; replaces valine 135 with alanine.
Molecular consequence: missense variant. On other transcripts: intron variant (1).
Genome position (GRCh38, 1-based): chr12:57,248,734, A>G on the plus strand (T>C on the coding strand, the complement: STAC3 is on the minus strand). VCF-style: chr12-57248734-A-G. GRCh37 (hg19) VCF-style: chr12-57642517-A-G.
Other names: c.287T>C, p.Val96Ala (NM_001286256.2); c.-126-536T>C (NM_001286257.2); short protein forms V96A, V135A.
Identifiers: ClinVar variation 858000 (VCV000858000.10), dbSNP rs2037825175, ClinGen allele CA385415857.
Genomic context (GRCh38, chr12:57,248,734, plus strand): 5'-TGTCCCCTCCTTGCTCTCCACAGCCTACTCACGATCTTGCCGAAGCATCTCTGCATTTCC[A>G]CATAGGACTGACAGTGTTCATGGATGTTGGTTTTGCAGTTCTTACAGCGAAGCCCAAACT-3'
Protein context (NP_659501.1, residues 125-145): TNIHEHCQSY[Val135Ala]EMQRCFGKIP